The following is an entry in ClinVar:

ClinVar aggregate classification (germline): Uncertain significance (0 of 4 stars; one submission).

Conditions:
Thrombocytopenia 5 (THC5). Also called: THROMBOCYTOPENIA 5 WITH INCREASED SUSCEPTIBILITY TO MALIGNANCY; THROMBOCYTOPENIA, AUTOSOMAL DOMINANT, 5. Identifiers: MedGen C4015537, MONDO:0014536, OMIM 616216.

Submission:

ISTH-SSC Genomics in Thrombosis and Hemostasis, KU Leuven, Center for Molecular and Vascular Biology
Classification: Uncertain significance for Thrombocytopenia 5. Review status: no assertion criteria provided. Collection method: clinical testing. Allele origin: germline. Affected: yes.
Comment: Submitted to GoldVariant by Juliana Perez Botero from Versiti Diagnostic Laboratories, USA

NM_001987.5(ETV6):c.1085A>G (p.Asp362Gly)

Genes: ETV6 (ETS variant transcription factor 6; plus strand), LOC126861452 (CDK7 strongly-dependent group 2 enhancer GRCh37_chr12:12037195-12038394; plus strand). Cytogenetic location: 12p13.2.
Variant type: single nucleotide variant.
Coding change: c.1085A>G on transcript NM_001987.5 (MANE Select); coding-DNA position 1085, A replaced by G.
Protein change: p.Asp362Gly; replaces aspartic acid 362 with glycine.
Molecular consequence: missense variant.
Genome position (GRCh38, 1-based): chr12:11,884,520, A>G. VCF-style: chr12-11884520-A-G. GRCh37 (hg19) VCF-style: chr12-12037454-A-G.
Other names: short protein forms D362G.
Identifiers: ClinVar variation 1684380 (VCV001684380.1), dbSNP rs2136595925, ClinGen allele CA384044635.